The following is an entry in ClinVar:

ClinVar aggregate classification (germline): Uncertain significance (1 of 4 stars; one submission).

Allele frequency attached by ClinVar (database versions not stated): gnomAD exomes below 0.00001; TOPMed below 0.00001; ExAC 0.00001.
gnomAD v4.1: 5 of 1,614,136 alleles (0.00031%); highest among the groups gnomAD compares: Non-Finnish European, 0.00042%; no homozygotes.

Submission:

GeneDx
Classification: Uncertain significance. Last evaluated: 2021-06-03. Review status: criteria provided, single submitter. Criteria: GeneDx Variant Classification Process June 2021. Collection method: clinical testing. Allele origin: germline. Affected: yes.
Comment: Not observed at a significant frequency in large population cohorts (Lek et al., 2016); In silico analysis, which includes splice predictors and evolutionary conservation, supports that this variant does not alter protein structure/function; Has not been previously published as pathogenic or benign to our knowledge; This variant is associated with the following publications: (PMID: 27535533)

NM_001253852.3(AP4B1):c.1336C>T (p.His446Tyr)

Genes: AP4B1 (adaptor related protein complex 4 subunit beta 1; minus strand), AP4B1-AS1 (AP4B1 antisense RNA 1; plus strand). Cytogenetic location: 1p13.2.
Variant type: single nucleotide variant.
Coding change: c.1336C>T on transcript NM_001253852.3 (MANE Select); coding-DNA position 1336, C replaced by T.
Protein change: p.His446Tyr; replaces histidine 446 with tyrosine.
Molecular consequence: missense variant.
Genome position (GRCh38, 1-based): chr1:113,896,432, G>A on the plus strand (C>T on the coding strand, the complement: AP4B1 is on the minus strand). VCF-style: chr1-113896432-G-A. GRCh37 (hg19) VCF-style: chr1-114439054-G-A.
Other names: c.1039C>T, p.His347Tyr (NM_001253853.3); c.832C>T, p.His278Tyr (NM_001308312.2); c.1336C>T, p.His446Tyr (NM_006594.5); short protein forms H278Y, H347Y, H446Y.
Identifiers: ClinVar variation 1300361 (VCV001300361.2), dbSNP rs772097818, ClinGen allele CA1015807.
Genomic context (GRCh38, chr1:113,896,432, plus strand): 5'-ACTTCACATTCTCAACAAAGTCCTCTAACACATAAGGAGCATTAGGAATTCTTTCCCCAT[G>A]GACACCAAGTAGCCAAATAAGTGCTTGCTTCCCCTAGAGAATAAAGGAATAAGAGCAAGT-3'
Protein context (NP_001240781.1, residues 436-456): KQALIWLLGV[His446Tyr]GERIPNAPYV